The following is an entry in ClinVar:

NM_001170629.2(CHD8):c.7096C>T (p.Gln2366Ter)

Gene: CHD8 (chromodomain helicase DNA binding protein 8; minus strand). Cytogenetic location: 14q11.2.
Variant type: single nucleotide variant.
Coding change: c.7096C>T on transcript NM_001170629.2 (MANE Select); coding-DNA position 7096, C replaced by T.
Protein change: p.Gln2366Ter; replaces glutamine 2366 with a stop codon.
Molecular consequence: nonsense.
Genome position (GRCh38, 1-based): chr14:21,391,033, G>A on the plus strand (C>T on the coding strand, the complement: CHD8 is on the minus strand). VCF-style: chr14-21391033-G-A. GRCh37 (hg19) VCF-style: chr14-21859192-G-A.
Other names: c.6259C>T, p.Gln2087Ter (NM_020920.4); short protein forms Q2087*, Q2366*.
Identifiers: ClinVar variation 2630831 (VCV002630831.1), dbSNP rs1373475251, ClinGen allele CA388876897.
Genomic context (GRCh38, chr14:21,391,033, plus strand): 5'-TCTGTACTGGTTCCATTCCCAAACAGTTCAATTCTGCCTTATTATTTTTTTTACATCTTT[G>A]CCACTTCTGTTTTCTGCGATCCTCCATATACTGCAATAGAAAAAATCAGTTATCCTAGAG-3'

ClinVar aggregate classification (germline): Likely pathogenic (1 of 4 stars; one submission).

Conditions:
CHD8-related disorder. Also called: CHD8-related condition; CHD8-related disorders.

Submission:

PreventionGenetics, part of Exact Sciences
Classification: Likely pathogenic for CHD8-related condition. Last evaluated: 2023-09-18. Review status: criteria provided, single submitter. Criteria: ACMG Guidelines, 2015. Collection method: clinical testing. Allele origin: germline.
Comment: The CHD8 c.7096C>T variant is predicted to result in premature protein termination (p.Gln2366*). To our knowledge, this variant has not been reported in the literature or in a large population database, indicating this variant is rare. Nonsense variants in CHD8 are expected to be pathogenic. This variant is interpreted as likely pathogenic.